The following is an entry in ClinVar:

ClinVar aggregate classification (germline): Benign/Likely benign. Review status: criteria provided, multiple submitters, no conflicts (2 of 4 stars). 6 submissions from 6 submitters: Benign (1); Likely benign (4). 1 of the submissions does not count toward it. Last evaluated 2026-05-12.

Conditions:
AEBP1-related disorder. Also called: AEBP1-related condition.

Allele frequency attached by ClinVar (database versions not stated): TOPMed 0.00013; ESP Exome Variant Server 0.00015; gnomAD exomes 0.00017 and 0.00026; gnomAD 0.00019; ExAC 0.00025.
gnomAD v4.1: 288 of 1,612,682 alleles (0.018%); highest among the groups gnomAD compares: Admixed American, 0.02%; no homozygotes.

Submissions (6):

Women's Health and Genetics/Laboratory Corporation of America, LabCorp
Classification: Likely benign. Last evaluated: 2026-05-12. Review status: criteria provided, single submitter. Criteria: LabCorp Variant Classification Summary - May 2015. Collection method: clinical testing. Allele origin: germline.

Labcorp Genetics (formerly Invitae), Labcorp
Classification: Benign. Last evaluated: 2025-12-30. Review status: criteria provided, single submitter. Criteria: Invitae Variant Classification Sherloc (09022015). Collection method: clinical testing. Allele origin: germline.

Mayo Clinic Laboratories, Mayo Clinic
Classification: Likely benign. Last evaluated: 2025-04-08. Review status: criteria provided, single submitter. Criteria: ACMG Guidelines, 2015. Collection method: clinical testing. Allele origin: germline. Observed: 1 variant allele.
Comment: BP4_strong, BP7

Blueprint Genetics
Classification: Likely benign. Last evaluated: 2023-09-25. Review status: criteria provided, single submitter. Criteria: ACMG Guidelines, 2015. Collection method: clinical testing. Allele origin: germline.

CeGaT Center for Human Genetics Tuebingen
Classification: Likely benign. Last evaluated: 2023-04-01. Review status: criteria provided, single submitter. Criteria: CeGaT Center For Human Genetics Tuebingen Variant Classification Criteria Version 2. Collection method: clinical testing. Allele origin: germline. Affected: yes. Observed: 3 variant alleles.
Comment: AEBP1: BP4, BP7

PreventionGenetics, part of Exact Sciences
Classification: Likely benign for AEBP1-related condition. Last evaluated: 2023-07-24. Review status: no assertion criteria provided. Collection method: clinical testing. Allele origin: germline. Not counted in ClinVar's aggregate classification.
Comment: This variant is classified as likely benign based on ACMG/AMP sequence variant interpretation guidelines (Richards et al. 2015 PMID: 25741868, with internal and published modifications).

NM_001129.5(AEBP1):c.348G>A (p.Pro116=)

Gene: AEBP1 (AE binding protein 1; plus strand). Cytogenetic location: 7p13.
Variant type: single nucleotide variant.
Coding change: c.348G>A on transcript NM_001129.5 (MANE Select); coding-DNA position 348, G replaced by A.
Protein change: p.Pro116=; no amino-acid change (proline 116 retained).
Molecular consequence: synonymous variant.
Genome position (GRCh38, 1-based): chr7:44,106,640, G>A. VCF-style: chr7-44106640-G-A. GRCh37 (hg19) VCF-style: chr7-44146239-G-A.
Other names: p.Pro116=; c.348G>A (NM_001129.4).
Identifiers: ClinVar variation 1565125 (VCV001565125.35), dbSNP rs201227189, ClinGen allele CA4237468.